The following is an entry in ClinVar:

NM_000465.4(BARD1):c.948A>G (p.Leu316=)

Gene: BARD1 (BRCA1 associated RING domain 1; minus strand). Cytogenetic location: 2q35.
Variant type: single nucleotide variant.
Coding change: c.948A>G on transcript NM_000465.4 (MANE Select); coding-DNA position 948, A replaced by G.
Protein change: p.Leu316=; no amino-acid change (leucine 316 retained).
Molecular consequence: synonymous variant. On other transcripts: non-coding transcript variant (2), intron variant (3).
Genome position (GRCh38, 1-based): chr2:214,780,926, T>C on the plus strand (A>G on the coding strand, the complement: BARD1 is on the minus strand). VCF-style: chr2-214780926-T-C. GRCh37 (hg19) VCF-style: chr2-215645650-T-C.
Other names: c.891A>G, p.Leu297= (NM_001282543.2); c.159-28371A>G (NM_001282548.2); c.215+16135A>G (NM_001282545.2); c.364+11371A>G (NM_001282549.2).
Identifiers: ClinVar variation 509621 (VCV000509621.6), dbSNP rs1553622329, ClinGen allele CA431391088.

ClinVar aggregate classification (germline): Benign/Likely benign. Review status: criteria provided, multiple submitters, no conflicts (2 of 4 stars). 4 submissions from 4 submitters: Benign (1); Likely benign (3). Last evaluated 2025-08-09.

Conditions:
Hereditary cancer-predisposing syndrome. Also called: Hereditary neoplastic syndrome; Hereditary Cancer Syndrome; Neoplastic Syndromes, Hereditary; Tumor predisposition. Identifiers: Orphanet 140162, MedGen C0027672, MeSH D009386, MONDO:0015356.
Familial cancer of breast. Also called: hereditary breast carcinoma; BREAST CANCER, FAMILIAL; Hereditary breast cancer. Identifiers: Orphanet 227535, MedGen C0346153, MONDO:0016419, OMIM 114480. Disease mechanism: loss of function.

Allele frequency attached by ClinVar (database versions not stated): gnomAD exomes below 0.00001.
gnomAD v4.1: 1 of 1,614,062 alleles (0.000062%); highest among the groups gnomAD compares: Non-Finnish European, 0.000085%; no homozygotes.

Submissions (4):

Labcorp Genetics (formerly Invitae), Labcorp
Classification: Likely benign for Familial cancer of breast. Last evaluated: 2025-08-09. Review status: criteria provided, single submitter. Criteria: Invitae Variant Classification Sherloc (09022015). Collection method: clinical testing. Allele origin: germline.

Myriad Genetics, Inc.
Classification: Benign for Familial cancer of breast. Last evaluated: 2024-07-23. Review status: criteria provided, single submitter. Criteria: Myriad Autosomal Dominant, Autosomal Recessive and X-Linked Classification Criteria (2023). Collection method: clinical testing. Allele origin: unknown.
Comment: This variant is considered benign. This variant is a silent/synonymous amino acid change and it is not expected to impact splicing.

Ambry Genetics
Classification: Likely benign for Hereditary cancer-predisposing syndrome. Last evaluated: 2021-02-26. Review status: criteria provided, single submitter. Criteria: Ambry Variant Classification Scheme 2023. Collection method: clinical testing. Allele origin: germline.

GeneDx
Classification: Likely benign. Last evaluated: 2017-05-15. Review status: criteria provided, single submitter. Criteria: GeneDx Variant Classification (06012015). Collection method: clinical testing. Allele origin: germline. Affected: yes.
Comment: This variant is considered likely benign or benign based on one or more of the following criteria: it is a conservative change, it occurs at a poorly conserved position in the protein, it is predicted to be benign by multiple in silico algorithms, and/or has population frequency not consistent with disease.